The following is an entry in ClinVar:

NM_005419.4(STAT2):c.301C>T (p.Pro101Ser)

Gene: STAT2 (signal transducer and activator of transcription 2; minus strand). Cytogenetic location: 12q13.3.
Variant type: single nucleotide variant.
Coding change: c.301C>T on transcript NM_005419.4 (MANE Select); coding-DNA position 301, C replaced by T.
Protein change: p.Pro101Ser; replaces proline 101 with serine.
Molecular consequence: missense variant.
Genome position (GRCh38, 1-based): chr12:56,355,788, G>A on the plus strand (C>T on the coding strand, the complement: STAT2 is on the minus strand). VCF-style: chr12-56355788-G-A. GRCh37 (hg19) VCF-style: chr12-56749572-G-A.
Other names: c.289C>T, p.Pro97Ser (NM_001385110.1, NM_001385115.1, NM_198332.2); c.301C>T, p.Pro101Ser (NM_001385111.1, NM_001385113.1, NM_001385114.1); short protein forms P97S, P101S.
Identifiers: ClinVar variation 2039066 (VCV002039066.4), dbSNP rs768555442, ClinGen allele CA6630900.

ClinVar aggregate classification (germline): Uncertain significance (1 of 4 stars; one submission).

Conditions:
Primary immunodeficiency with post-measles-mumps-rubella vaccine viral infection. Also called: Immunodeficiency 44. Identifiers: Orphanet 431166, MedGen C4225260, MONDO:0014715, OMIM 616636.

Allele frequency attached by ClinVar (database versions not stated): ExAC 0.00001.
gnomAD v4.1: 1 of 1,614,094 alleles (0.000062%); no homozygotes.

Submission:

Labcorp Genetics (formerly Invitae), Labcorp
Classification: Uncertain significance for Primary immunodeficiency with post-measles-mumps-rubella vaccine viral infection. Last evaluated: 2021-12-09. Review status: criteria provided, single submitter. Criteria: Invitae Variant Classification Sherloc (09022015). Collection method: clinical testing. Allele origin: germline.
Comment: In summary, the available evidence is currently insufficient to determine the role of this variant in disease. Therefore, it has been classified as a Variant of Uncertain Significance. Advanced modeling of protein sequence and biophysical properties (such as structural, functional, and spatial information, amino acid conservation, physicochemical variation, residue mobility, and thermodynamic stability) performed at Invitae indicates that this missense variant is expected to disrupt STAT2 protein function. This variant has not been reported in the literature in individuals affected with STAT2-related conditions. This variant is present in population databases (rs768555442, gnomAD 0.01%). This sequence change replaces proline, which is neutral and non-polar, with serine, which is neutral and polar, at codon 101 of the STAT2 protein (p.Pro101Ser).